The following is an entry in ClinVar:

ClinVar aggregate classification (germline): Uncertain significance (1 of 4 stars; one submission).

Conditions:
Werner syndrome (WRN). Identifiers: Orphanet 902, MedGen C0043119, MONDO:0010196, OMIM 277700.

Submission:

Labcorp Genetics (formerly Invitae), Labcorp
Classification: Uncertain significance for Werner syndrome. Last evaluated: 2023-06-05. Review status: criteria provided, single submitter. Criteria: Invitae Variant Classification Sherloc (09022015). Collection method: clinical testing. Allele origin: germline.
Comment: An algorithm developed to predict the effect of missense changes on protein structure and function (PolyPhen-2) suggests that this variant is likely to be disruptive. In summary, the available evidence is currently insufficient to determine the role of this variant in disease. Therefore, it has been classified as a Variant of Uncertain Significance. This variant has not been reported in the literature in individuals affected with WRN-related conditions. This variant is not present in population databases (gnomAD no frequency). This sequence change replaces glutamic acid, which is acidic and polar, with aspartic acid, which is acidic and polar, at codon 675 of the WRN protein (p.Glu675Asp).

NM_000553.6(WRN):c.2025G>T (p.Glu675Asp)

Gene: WRN (WRN RecQ like helicase; plus strand). Cytogenetic location: 8p12.
Variant type: single nucleotide variant.
Coding change: c.2025G>T on transcript NM_000553.6 (MANE Select); coding-DNA position 2025, G replaced by T.
Protein change: p.Glu675Asp; replaces glutamic acid 675 with aspartic acid.
Molecular consequence: missense variant.
Genome position (GRCh38, 1-based): chr8:31,100,892, G>T. VCF-style: chr8-31100892-G-T. GRCh37 (hg19) VCF-style: chr8-30958408-G-T.
Other names: short protein forms E675D.
Identifiers: ClinVar variation 2918586 (VCV002918586.3), dbSNP rs1563351127, ClinGen allele CA370908504.